The following is an entry in ClinVar:

ClinVar aggregate classification (germline): Uncertain significance. Review status: criteria provided, multiple submitters, no conflicts (2 of 4 stars). 2 submissions from 2 submitters: Uncertain significance (2). Last evaluated 2023-08-23.

Conditions:
Charcot-Marie-Tooth disease axonal type 2O. Also called: Charcot-Marie-Tooth disease, axonal, type 20; Charcot-Marie-Tooth Neuropathy Type 2O; CHARCOT-MARIE-TOOTH NEUROPATHY, AXONAL, TYPE 2O; CHARCOT-MARIE-TOOTH DISEASE, AXONAL, AUTOSOMAL DOMINANT, TYPE 2O. Identifiers: Orphanet 284232, MedGen C3280220, MONDO:0013644, OMIM 614228.

Allele frequency attached by ClinVar (database versions not stated): TOPMed below 0.00001; ExAC 0.00001; gnomAD 0.00001; gnomAD exomes 0.00001.
gnomAD v4.1: 11 of 1,613,946 alleles (0.00068%); highest among the groups gnomAD compares: East Asian, 0.0022%; no homozygotes.

Submissions (2):

Labcorp Genetics (formerly Invitae), Labcorp
Classification: Uncertain significance for Charcot-Marie-Tooth disease axonal type 2O. Last evaluated: 2023-08-23. Review status: criteria provided, single submitter. Criteria: Invitae Variant Classification Sherloc (09022015). Collection method: clinical testing. Allele origin: germline.
Comment: In summary, the available evidence is currently insufficient to determine the role of this variant in disease. Therefore, it has been classified as a Variant of Uncertain Significance. Advanced modeling of protein sequence and biophysical properties (such as structural, functional, and spatial information, amino acid conservation, physicochemical variation, residue mobility, and thermodynamic stability) performed at Invitae indicates that this missense variant is expected to disrupt DYNC1H1 protein function. ClinVar contains an entry for this variant (Variation ID: 245876). This variant has not been reported in the literature in individuals affected with DYNC1H1-related conditions. This variant is present in population databases (rs780690762, gnomAD 0.01%). This sequence change replaces arginine, which is basic and polar, with histidine, which is basic and polar, at codon 2948 of the DYNC1H1 protein (p.Arg2948His).

GeneDx
Classification: Uncertain significance. Last evaluated: 2015-08-27. Review status: criteria provided, single submitter. Criteria: GeneDx Variant Classification (06012015). Collection method: clinical testing. Allele origin: germline. Affected: yes.
Comment: The R2948H variant has not been published as pathogenic, nor has it been reported as a benign polymorphism to our knowledge. It was not observed in approximately 6,500 individuals of European and African American ancestry in the NHLBI Exome Sequencing Project, indicating it is not a common benign variant in these populations. This substitution occurs at a position that is conserved across species, and in silico analysis predicts this variant is probably damaging to the protein structure/function. However, the R2948H variant is a conservative amino acid substitution, which is not likely to impact secondary protein structure as these residues share similar properties. Therefore, based on the currently available information, it is unclear whether this variant is a pathogenic variant or a rare benign variant.

NM_001376.5(DYNC1H1):c.8843G>A (p.Arg2948His)

Gene: DYNC1H1 (dynein cytoplasmic 1 heavy chain 1; plus strand). Cytogenetic location: 14q32.31.
Variant type: single nucleotide variant.
Coding change: c.8843G>A on transcript NM_001376.5 (MANE Select); coding-DNA position 8843, G replaced by A.
Protein change: p.Arg2948His; replaces arginine 2948 with histidine.
Molecular consequence: missense variant.
Genome position (GRCh38, 1-based): chr14:102,027,245, G>A. VCF-style: chr14-102027245-G-A. GRCh37 (hg19) VCF-style: chr14-102493582-G-A.
Other names: short protein forms R2948H.
Identifiers: ClinVar variation 245876 (VCV000245876.5), dbSNP rs780690762, ClinGen allele CA7353124.
Genomic context (GRCh38, chr14:102,027,245, plus strand): 5'-AACCTCAAGGCCACTTGCTTCTGATTGGTGTTAGTGGAGCAGGAAAAACTACCCTGTCTC[G>A]TTTCGTCGCCTGGATGAACGGTTTGAGTGTGTACCAGATTAAGGTGCGTCTGGTCGGTGG-3'
Protein context (NP_001367.2, residues 2938-2958): VSGAGKTTLS[Arg2948His]FVAWMNGLSV